The following is an entry in ClinVar:

NM_014112.5(TRPS1):c.2096+2T>G

Gene: TRPS1 (transcriptional repressor GATA binding 1; minus strand). Cytogenetic location: 8q23.3.
Variant type: single nucleotide variant.
Coding change: c.2096+2T>G on transcript NM_014112.5 (MANE Select); the canonical splice donor site of the intron after coding-DNA position 2096, T replaced by G.
Molecular consequence: splice donor variant.
Genome position (GRCh38, 1-based): chr8:115,603,871, A>C on the plus strand (T>G on the coding strand, the complement: TRPS1 is on the minus strand). VCF-style: chr8-115603871-A-C. GRCh37 (hg19) VCF-style: chr8-116616098-A-C.
Other names: c.2057+2T>G (NM_001330599.2); c.2075+2T>G (NM_001282903.3); c.2069+2T>G (NM_001282902.3).
Identifiers: ClinVar variation 2658768 (VCV002658768.25), dbSNP rs2536888086, ClinGen allele CA372065925.
Genomic context (GRCh38, chr8:115,603,871, plus strand): 5'-CTATGGATTTTTTCTATTATTTTATTTGTATATTCCTCCCGACCCCACCCCCCATGCCTC[A>C]CCTGTAGTGTCGGGAAATCTCTTCTTCCACTTGGGTAATAAAATCACATTTGGTACATGA-3'

ClinVar aggregate classification (germline): Pathogenic/Likely pathogenic. Review status: criteria provided, multiple submitters, no conflicts (2 of 4 stars). 2 submissions from 2 submitters: Pathogenic (1); Likely pathogenic (1). Last evaluated 2023-10-01.

Conditions:
TRPS1-related disorder. Also called: TRPS1-related condition.

Submissions (2):

CeGaT Center for Human Genetics Tuebingen
Classification: Pathogenic. Last evaluated: 2023-10-01. Review status: criteria provided, single submitter. Criteria: CeGaT Center For Human Genetics Tuebingen Variant Classification Criteria Version 2. Collection method: clinical testing. Allele origin: germline. Affected: yes. Observed: 1 variant allele.
Comment: TRPS1: PVS1, PM2

Blueprint Genetics
Classification: Likely pathogenic for TRPS1-related disorders. Last evaluated: 2022-07-07. Review status: criteria provided, single submitter. Criteria: ACMG Guidelines, 2015. Collection method: clinical testing. Allele origin: germline. Affected: yes. Observed: 1 variant allele.